The following is an entry in ClinVar:

ClinVar aggregate classification (germline): Uncertain significance (1 of 4 stars; one submission).

Conditions:
Hereditary spastic paraplegia 3A (SPG3A). Also called: Spastic paraplegia 3A, autosomal dominant; SPASTIC PARAPLEGIA 3, AUTOSOMAL DOMINANT; FAMILIAL SPASTIC PARAPLEGIA, AUTOSOMAL DOMINANT, 1; SPG3; STRUMPELL DISEASE; Spastic Paraplegia 3A. Identifiers: Orphanet 100984, MedGen C2931355, MONDO:0008437, OMIM 182600.

Submission:

Labcorp Genetics (formerly Invitae), Labcorp
Classification: Uncertain significance for Spastic paraplegia 3. Last evaluated: 2019-02-05. Review status: criteria provided, single submitter. Criteria: Invitae Variant Classification Sherloc (09022015). Collection method: clinical testing. Allele origin: germline.
Comment: This sequence change replaces aspartic acid with glycine at codon 98 of the ATL1 protein (p.Asp98Gly). The aspartic acid residue is highly conserved and there is a moderate physicochemical difference between aspartic acid and glycine. This variant is not present in population databases (ExAC no frequency). This variant has not been reported in the literature in individuals with ATL1-related conditions. Algorithms developed to predict the effect of missense changes on protein structure and function are either unavailable or do not agree on the potential impact of this missense change (SIFT: "Deleterious"; PolyPhen-2: "Benign"; Align-GVGD: "Class C0"). In summary, the available evidence is currently insufficient to determine the role of this variant in disease. Therefore, it has been classified as a Variant of Uncertain Significance.

NM_015915.5(ATL1):c.293A>G (p.Asp98Gly)

Gene: ATL1 (atlastin GTPase 1; plus strand). Cytogenetic location: 14q22.1.
Variant type: single nucleotide variant.
Coding change: c.293A>G on transcript NM_015915.5 (MANE Select); coding-DNA position 293, A replaced by G.
Protein change: p.Asp98Gly; replaces aspartic acid 98 with glycine.
Molecular consequence: missense variant.
Genome position (GRCh38, 1-based): chr14:50,590,951, A>G. VCF-style: chr14-50590951-A-G. GRCh37 (hg19) VCF-style: chr14-51057669-A-G.
Other names: c.293A>G, p.Asp98Gly (NM_001127713.1, NM_181598.4); short protein forms D98G.
Identifiers: ClinVar variation 862250 (VCV000862250.1), dbSNP rs2039150193, ClinGen allele CA389666325.